The following is an entry in ClinVar:

NM_001128425.2(MUTYH):c.17C>G (p.Ser6Cys)

Genes: MUTYH (mutY DNA glycosylase; minus strand), TOE1 (target of EGR1, exonuclease; plus strand). Cytogenetic location: 1p34.1.
Variant type: single nucleotide variant.
Coding change: c.17C>G on transcript NM_001128425.2 (MANE Plus Clinical); coding-DNA position 17, C replaced by G.
Protein change: p.Ser6Cys; replaces serine 6 with cysteine.
Molecular consequence: missense variant. On other transcripts: 5 prime UTR variant (8), non-coding transcript variant (3).
Genome position (GRCh38, 1-based): chr1:45,340,238, G>C on the plus strand (C>G on the coding strand, the complement: MUTYH is on the minus strand). VCF-style: chr1-45340238-G-C. GRCh37 (hg19) VCF-style: chr1-45805910-G-C.
Other names: c.-238C>G (NM_001293192.2); c.-297C>G (NM_001350650.2); c.-233C>G (NM_001350651.2); c.17C>G, p.Ser6Cys (NM_001407069.1, NM_001407073.1, NM_012222.3 and 1 more transcripts); c.-42C>G (NM_001407070.1, NM_001407071.1); c.-22C>G (NM_001407072.1); c.-15G>C (NM_025077.4); c.-26C>G (NM_001048171.2); short protein forms S6C.
Identifiers: ClinVar variation 230893 (VCV000230893.15), dbSNP rs587782837, ClinGen allele CA10577754.

ClinVar aggregate classification (germline): Uncertain significance. Review status: criteria provided, multiple submitters, no conflicts (2 of 4 stars). 4 submissions from 4 submitters: Uncertain significance (4). Last evaluated 2025-11-17.

Conditions:
Hereditary cancer-predisposing syndrome. Also called: Neoplastic Syndromes, Hereditary; Hereditary neoplastic syndrome; Tumor predisposition; Hereditary Cancer Syndrome. Identifiers: Orphanet 140162, MedGen C0027672, MeSH D009386, MONDO:0015356.
Familial adenomatous polyposis 2. Also called: COLORECTAL ADENOMATOUS POLYPOSIS, AUTOSOMAL RECESSIVE; MYH-associated polyposis; FAP type 2; MUTYH-related attenuated familial adenomatous polyposis; MUTYH-associated polyposis; MUTYH Polyposis. Identifiers: Orphanet 220460, Orphanet 247798, MedGen C3272841, MONDO:0012041, OMIM 608456.

Submissions (4):

Labcorp Genetics (formerly Invitae), Labcorp
Classification: Uncertain significance for Familial adenomatous polyposis 2. Last evaluated: 2025-11-17. Review status: criteria provided, single submitter. Criteria: Invitae Variant Classification Sherloc (09022015). Collection method: clinical testing. Allele origin: germline.
Comment: This sequence change replaces serine, which is neutral and polar, with cysteine, which is neutral and slightly polar, at codon 6 of the MUTYH protein (p.Ser6Cys). This variant is not present in population databases (gnomAD no frequency). This variant has not been reported in the literature in individuals affected with MUTYH-related conditions. ClinVar contains an entry for this variant (Variation ID: 230893). An algorithm developed to predict the effect of missense changes on protein structure and function (PolyPhen-2) suggests that this variant is likely to be tolerated. In summary, the available evidence is currently insufficient to determine the role of this variant in disease. Therefore, it has been classified as a Variant of Uncertain Significance.

Ambry Genetics
Classification: Uncertain significance for Hereditary cancer-predisposing syndrome. Last evaluated: 2025-10-02. Review status: criteria provided, single submitter. Criteria: Ambry Variant Classification Scheme 2023. Collection method: clinical testing. Allele origin: germline.
Comment: The p.S6C variant (also known as c.17C>G), located in coding exon 1 of the MUTYH gene, results from a C to G substitution at nucleotide position 17. The serine at codon 6 is replaced by cysteine, an amino acid with dissimilar properties. This amino acid position is poorly conserved in available vertebrate species. In addition, this alteration is predicted to be tolerated by in silico analysis. Since supporting evidence is limited at this time, the clinical significance of this alteration remains unclear.

Color Diagnostics, LLC DBA Color Health
Classification: Uncertain significance for Hereditary cancer-predisposing syndrome. Last evaluated: 2022-10-28. Review status: criteria provided, single submitter. Criteria: ACMG Guidelines, 2015. Collection method: clinical testing. Allele origin: germline.
Comment: This missense variant replaces serine with cysteine at codon 6 of the MUTYH protein. Computational prediction suggests that this variant may not impact protein structure and function (internally defined REVEL score threshold <= 0.5, PMID: 27666373). To our knowledge, functional studies have not been reported for this variant. This variant has not been reported in individuals affected with hereditary cancer in the literature. This variant has not been identified in the general population by the Genome Aggregation Database (gnomAD). The available evidence is insufficient to determine the role of this variant in disease conclusively. Therefore, this variant is classified as a Variant of Uncertain Significance.

GeneDx
Classification: Uncertain significance. Last evaluated: 2020-05-21. Review status: criteria provided, single submitter. Criteria: GeneDx Variant Classification Process June 2021. Collection method: clinical testing. Allele origin: germline. Affected: yes.
Comment: Not observed in large population cohorts (Lek 2016); In silico analysis supports that this missense variant has a deleterious effect on protein structure/function; Has not been previously published as pathogenic or benign to our knowledge